The following is an entry in ClinVar:

ClinVar aggregate classification (germline): Conflicting classifications of pathogenicity. Review status: criteria provided, conflicting classifications (1 of 4 stars). 2 submissions from 2 submitters: Uncertain significance (1); Benign (1). Last evaluated 2025-07-14.

Conditions:
Kabuki syndrome. Also called: Kabuki make-up syndrome; NIIKAWA-KUROKI SYNDROME. Identifiers: Orphanet 2322, MedGen C0796004, MONDO:0016512.
KMT2D-related disorder. Also called: KMT2D-Related Disorders.

Allele frequency attached by ClinVar (database versions not stated): ExAC 0.00001; TOPMed 0.00001.
gnomAD v4.1: 6 of 1,611,122 alleles (0.00037%); highest among the groups gnomAD compares: South Asian, 0.0022%; no homozygotes.

Submissions (2):

PreventionGenetics, part of Exact Sciences
Classification: Uncertain significance for KMT2D-related condition. Last evaluated: 2025-07-14. Review status: criteria provided, single submitter. Criteria: ACMG Guidelines, 2015. Collection method: clinical testing. Allele origin: germline.
Comment: The KMT2D c.14203C>T variant is predicted to result in the amino acid substitution p.Arg4735Trp. To our knowledge, this variant has not been reported in the literature. This variant is reported in 0.0047% of alleles in individuals of European (Finnish) descent in gnomAD. At this time, the clinical significance of this variant is uncertain due to the absence of conclusive functional and genetic evidence.

Labcorp Genetics (formerly Invitae), Labcorp
Classification: Benign for Kabuki syndrome. Last evaluated: 2025-03-16. Review status: criteria provided, single submitter. Criteria: Invitae Variant Classification Sherloc (09022015). Collection method: clinical testing. Allele origin: germline.

NM_003482.4(KMT2D):c.14203C>T (p.Arg4735Trp)

Gene: KMT2D (lysine methyltransferase 2D; minus strand). Cytogenetic location: 12q13.12.
Variant type: single nucleotide variant.
Coding change: c.14203C>T on transcript NM_003482.4 (MANE Select); coding-DNA position 14203, C replaced by T.
Protein change: p.Arg4735Trp; replaces arginine 4735 with tryptophan.
Molecular consequence: missense variant.
Genome position (GRCh38, 1-based): chr12:49,029,109, G>A on the plus strand (C>T on the coding strand, the complement: KMT2D is on the minus strand). VCF-style: chr12-49029109-G-A. GRCh37 (hg19) VCF-style: chr12-49422892-G-A.
Other names: short protein forms R4735W.
Identifiers: ClinVar variation 4807652 (VCV004807652.2), dbSNP rs751383638.